The following is an entry in ClinVar:

NM_000257.4(MYH7):c.2300C>T (p.Ala767Val)

Genes: MYH7 (myosin heavy chain 7; minus strand), LOC126861898 (BRD4-independent group 4 enhancer GRCh37_chr14:23893609-23894808; plus strand). Cytogenetic location: 14q11.2.
Variant type: single nucleotide variant.
Coding change: c.2300C>T on transcript NM_000257.4 (MANE Select); coding-DNA position 2300, C replaced by T.
Protein change: p.Ala767Val; replaces alanine 767 with valine.
Molecular consequence: missense variant.
Genome position (GRCh38, 1-based): chr14:23,425,405, G>A on the plus strand (C>T on the coding strand, the complement: MYH7 is on the minus strand). VCF-style: chr14-23425405-G-A. GRCh37 (hg19) VCF-style: chr14-23894614-G-A.
Other names: c.2300C>T, p.Ala767Val (NM_001407004.1); short protein forms A767V.
Identifiers: ClinVar variation 1917504 (VCV001917504.5), dbSNP rs2502286286, ClinGen allele CA389048695.

ClinVar aggregate classification (germline): Uncertain significance (1 of 4 stars; one submission).

Conditions:
Hypertrophic cardiomyopathy. Also called: HYPERTROPHIC MYOCARDIOPATHY. Identifiers: Orphanet 217569, MedGen C0007194, MeSH D002312, MONDO:0005045, HP:0001639.

Submission:

Labcorp Genetics (formerly Invitae), Labcorp
Classification: Uncertain significance for Hypertrophic cardiomyopathy. Last evaluated: 2022-05-11. Review status: criteria provided, single submitter. Criteria: Invitae Variant Classification Sherloc (09022015). Collection method: clinical testing. Allele origin: germline.
Comment: This sequence change replaces alanine, which is neutral and non-polar, with valine, which is neutral and non-polar, at codon 767 of the MYH7 protein (p.Ala767Val). This variant is not present in population databases (gnomAD no frequency). In summary, the available evidence is currently insufficient to determine the role of this variant in disease. Therefore, it has been classified as a Variant of Uncertain Significance. This variant is found within a region of MYH7 between codons 181 and 937 that contains the majority of the myosin head domain. Missense variants in this region have been shown to be significantly overrepresented in individuals with hypertrophic cardiomyopathy (PMID: 27532257). Algorithms developed to predict the effect of sequence changes on RNA splicing suggest that this variant may create or strengthen a splice site. Algorithms developed to predict the effect of missense changes on protein structure and function (SIFT, PolyPhen-2, Align-GVGD) all suggest that this variant is likely to be disruptive. This variant has not been reported in the literature in individuals affected with MYH7-related conditions.

Literature cited by the submitters: PubMed 27532257.